The following is an entry in ClinVar:

ClinVar aggregate classification (germline): Uncertain significance (1 of 4 stars; one submission).

Conditions:
COG7 congenital disorder of glycosylation (CDG2E). Also called: CONGENITAL DISORDER OF GLYCOSYLATION, TYPE IIe; CDG IIe. Identifiers: Orphanet 79333, MedGen C2931010, MONDO:0012118, OMIM 608779.

Allele frequency attached by ClinVar (database versions not stated): gnomAD 0.00002; ExAC 0.00003; gnomAD exomes 0.00003; TOPMed 0.00005.
gnomAD v4.1: 20 of 1,613,868 alleles (0.0012%); highest among the groups gnomAD compares: South Asian, 0.0077%; no homozygotes.

Submission:

Labcorp Genetics (formerly Invitae), Labcorp
Classification: Uncertain significance for COG7 congenital disorder of glycosylation. Last evaluated: 2026-01-20. Review status: criteria provided, single submitter. Criteria: Invitae Variant Classification Sherloc (09022015). Collection method: clinical testing. Allele origin: germline.
Comment: This sequence change replaces arginine, which is basic and polar, with histidine, which is basic and polar, at codon 756 of the COG7 protein (p.Arg756His). This variant is present in population databases (rs765513149, gnomAD 0.01%). This variant has not been reported in the literature in individuals affected with COG7-related conditions. ClinVar contains an entry for this variant (Variation ID: 1409867). Invitae Evidence Modeling of protein sequence and biophysical properties (such as structural, functional, and spatial information, amino acid conservation, physicochemical variation, residue mobility, and thermodynamic stability) indicates that this missense variant is not expected to disrupt COG7 protein function with a negative predictive value of 80%. In summary, the available evidence is currently insufficient to determine the role of this variant in disease. Therefore, it has been classified as a Variant of Uncertain Significance.

NM_153603.4(COG7):c.2267G>A (p.Arg756His)

Gene: COG7 (component of oligomeric golgi complex 7; minus strand). Cytogenetic location: 16p12.2.
Variant type: single nucleotide variant.
Coding change: c.2267G>A on transcript NM_153603.4 (MANE Select); coding-DNA position 2267, G replaced by A.
Protein change: p.Arg756His; replaces arginine 756 with histidine.
Molecular consequence: missense variant.
Genome position (GRCh38, 1-based): chr16:23,388,966, C>T on the plus strand (G>A on the coding strand, the complement: COG7 is on the minus strand). VCF-style: chr16-23388966-C-T. GRCh37 (hg19) VCF-style: chr16-23400287-C-T.
Other names: short protein forms R756H.
Identifiers: ClinVar variation 1409867 (VCV001409867.4), dbSNP rs765513149, ClinGen allele CA7960721.